The following is an entry in ClinVar:

ClinVar aggregate classification (germline): Pathogenic. Review status: criteria provided, single submitter (1 of 4 stars). 2 submissions from 2 submitters: Pathogenic (1). 1 of the submissions does not count toward it. Last evaluated 2025-04-01.

Conditions:
Congenital microvillous atrophy (DIAR2). Also called: Diarrhea 2 with microvillus atrophy, with or without cholestasis; CONGENITAL FAMILIAL PROTRACTED DIARRHEA WITH ENTEROCYTE BRUSH-BORDER ABNORMALITIES; DAVIDSON DISEASE; MICROVILLUS ATROPHY, CONGENITAL; Microvillus inclusion disease. Identifiers: Orphanet 2290, MedGen C0341306, MONDO:0009635, OMIM 251850.

Submissions (2):

Labcorp Genetics (formerly Invitae), Labcorp
Classification: Pathogenic. Last evaluated: 2025-04-01. Review status: criteria provided, single submitter. Criteria: Invitae Variant Classification Sherloc (09022015). Collection method: clinical testing. Allele origin: germline.
Comment: This sequence change creates a premature translational stop signal (p.Gly777Aspfs*6) in the MYO5B gene. It is expected to result in an absent or disrupted protein product. Loss-of-function variants in MYO5B are known to be pathogenic (PMID: 18724368, 20186687). This variant is not present in population databases (gnomAD no frequency). This premature translational stop signal has been observed in individual(s) with microvillus inclusion disease (PMID: 21206382). ClinVar contains an entry for this variant (Variation ID: 1686967). Algorithms developed to predict the effect of sequence changes on RNA splicing suggest that this variant may disrupt the consensus splice site. For these reasons, this variant has been classified as Pathogenic.

OMIM
Classification: Pathogenic for DIARRHEA 2, WITH MICROVILLUS ATROPHY. Last evaluated: 2025-05-05. Review status: no assertion criteria provided. Collection method: literature only. Allele origin: germline. Not counted in ClinVar's aggregate classification.

Literature cited by the submitters: PubMed 18724368 (cited by Labcorp Genetics (formerly Invitae), Labcorp); PubMed 20186687 (cited by Labcorp Genetics (formerly Invitae), Labcorp); PubMed 21206382 (cited by Labcorp Genetics (formerly Invitae), Labcorp and OMIM).

NM_001080467.3(MYO5B):c.2330del (p.Gly777fs)

Gene: MYO5B (myosin VB; minus strand). Cytogenetic location: 18q21.1.
Variant type: Deletion.
Coding change: c.2330del on transcript NM_001080467.3 (MANE Select); coding-DNA position 2330, one base deleted (G; older notation c.2330delG).
Protein change: p.Gly777fs; shifts the reading frame from glycine 777.
Molecular consequence: frameshift variant.
Genome position (GRCh38, 1-based): chr18:49,906,503, C deleted on the plus strand (G on the coding strand, the reverse complement: MYO5B is on the minus strand); the first of 4 consecutive C bases (chr18:49,906,503-49,906,506); deleting any one gives the same sequence. VCF-style (leftmost placement, unchanged base first): chr18-49906502-TC-T. GRCh37 (hg19) VCF-style: chr18-47432872-TC-T.
Other names: short protein forms G777fs.
Identifiers: ClinVar variation 1686967 (VCV001686967.5), dbSNP rs1568025953, ClinGen allele CA919983504.
Genomic context (GRCh38, chr18:49,906,502, plus strand): 5'-GTACCTCTGCAGGGTTAAGGTAGCCCCCTTCAGCCTGTGATATTTCACCTTCTGCAGCCA[TC>T]CCCGGACAGTTTTCTGGATCATGATGGTGGCTGTCCGGAACTTGTCAGCCCGCAGCTTCT-3'